The following continues an entry in ClinVar:

NM_000059.4(BRCA2):c.4037_4043delinsT (p.Thr1346_Cys1348delinsIle)

Gene: BRCA2. ClinVar aggregate classification (germline): Conflicting classifications of pathogenicity. Uncertain significance (12); Benign (1).

Submissions 11 to 15 of 15:

ARUP Laboratories, Molecular Genetics and Genomics, ARUP Laboratories
Classification: Uncertain significance. Last evaluated: 2022-09-15. Review status: criteria provided, single submitter. Criteria: ARUP Molecular Germline Variant Investigation Process 2021. Collection method: clinical testing. Allele origin: germline.
Comment: The BRCA2 c.4037_4043delinsT; p.Thr1346_Cys1348delinsIle variant (rs276174841), also known as 4265del7insT in the literature, is reported in at least one individual with high risk for hereditary breast and ovarian cancer (Zhou 2005). This variant is also reported in ClinVar (Variation ID: 126035). Although the p.Thr1346_Cys1348delinsIle variant is absent from the Genome Aggregation Database, the constituent variants c.4037delC and c.4039_4043delGTTTG are observed concurrently on a single allele, which indicates that it is not a common polymorphism. This variant deletes three residues and replaces them with an isoleucine, leaving the rest of the protein in-frame. Due to limited information, the clinical significance of the p.Thr1346_Cys1348delinsIle variant is uncertain at this time. References: Zhou X et al. Classification of Missense Mutations of Disease Genes. J Am Stat Assoc. 2005;100(469):51-60. PMID: 18418466.

Department of Pathology and Laboratory Medicine, Sinai Health System
Classification: Uncertain significance for BRCA2-related cancer predisposition. Last evaluated: 2020-11-05. Review status: criteria provided, single submitter. Criteria: ACMG Guidelines, 2015. Collection method: clinical testing. Allele origin: germline.

Laboratory for Molecular Medicine, Mass General Brigham Personalized Medicine
Classification: Uncertain significance. Last evaluated: 2017-05-26. Review status: criteria provided, single submitter. Criteria: LMM Criteria. Collection method: clinical testing. Allele origin: germline. Observed: 1 variant allele.
Comment: It was absent from large population studies, though the ability of these studies to accurately detect indels may be limited. This variant has be en reported in ClinVar (Variation ID: 126035). This variant is an inframe deleti on of CTGTTTG and insertion T at position c.4037 and It is unclear if this delet ion/insertion will impact the protein. In summary, the clinical significance of the p.Thr1346delinsIle variant is uncertain.

Sharing Clinical Reports Project (SCRP)
Classification: Uncertain significance for Breast-ovarian cancer, familial 2. Last evaluated: 2008-05-17. Review status: no assertion criteria provided. Collection method: clinical testing. Allele origin: germline. Not counted in ClinVar's aggregate classification.

Breast Cancer Information Core (BIC) (BRCA2)
Classification: Uncertain significance for Breast-ovarian cancer, familial 2. Last evaluated: 2000-06-12. Review status: no assertion criteria provided. Collection method: clinical testing. Allele origin: germline. Affected: yes. Observed: 2 variant alleles. Not counted in ClinVar's aggregate classification.

Literature cited by the submitters: PubMed 18418466 (cited by 7 submitters); PubMed 31853058 (cited by Women's Health and Genetics/Laboratory Corporation of America, LabCorp and Quest Diagnostics Nichols Institute San Juan Capistrano); PubMed 25085752 (cited by Myriad Genetics, Inc.).